The following is an entry in ClinVar:

ClinVar aggregate classification (germline): Uncertain significance (1 of 4 stars; one submission).

Submission:

Greenwood Genetic Center Diagnostic Laboratories, Greenwood Genetic Center
Classification: Uncertain significance. Last evaluated: 2024-05-08. Review status: criteria provided, single submitter. Criteria: ACMG Guidelines, 2015. Collection method: clinical testing. Allele origin: germline. Affected: yes.
Comment: PM2, BP4

NM_005718.5(ARPC4):c.3+14G>C

Genes: ARPC4 (actin related protein 2/3 complex subunit 4; plus strand), ARPC4-TTLL3 (ARPC4-TTLL3 readthrough; plus strand). Cytogenetic location: 3p25.3.
Variant type: single nucleotide variant.
Coding change: c.3+14G>C on transcript NM_005718.5 (MANE Select); 14 bases into the intron after coding-DNA position 3, G replaced by C.
Molecular consequence: intron variant. On other transcripts: missense variant (1).
Genome position (GRCh38, 1-based): chr3:9,793,138, G>C. VCF-style: chr3-9793138-G-C. GRCh37 (hg19) VCF-style: chr3-9834822-G-C.
Other names: c.17G>C, p.Gly6Ala (NM_001198780.3); c.-268+433G>C (NM_001024959.3); c.-268+578G>C (NM_001024960.3); c.3+14G>C (NM_001198793.1); short protein forms G6A.
Identifiers: ClinVar variation 3338496 (VCV003338496.1).